The following is an entry in ClinVar:

NM_004977.3(KCNC3):c.848C>T (p.Pro283Leu)

Gene: KCNC3 (potassium voltage-gated channel subfamily C member 3; minus strand). Cytogenetic location: 19q13.33.
Variant type: single nucleotide variant.
Coding change: c.848C>T on transcript NM_004977.3 (MANE Select); coding-DNA position 848, C replaced by T.
Protein change: p.Pro283Leu; replaces proline 283 with leucine.
Molecular consequence: missense variant.
Genome position (GRCh38, 1-based): chr19:50,328,235, G>A on the plus strand (C>T on the coding strand, the complement: KCNC3 is on the minus strand). VCF-style: chr19-50328235-G-A. GRCh37 (hg19) VCF-style: chr19-50831492-G-A.
Other names: c.620C>T, p.Pro207Leu (NM_001372305.1); short protein forms P207L, P283L.
Identifiers: ClinVar variation 4846828 (VCV004846828.1).

ClinVar aggregate classification (germline): Uncertain significance (1 of 4 stars; one submission).

Conditions:
Spinocerebellar ataxia type 13 (SCA13). Also called: Spinocerebellar Ataxia Type13. Identifiers: Orphanet 98768, MedGen C1854488, MONDO:0011529, OMIM 605259.

Submission:

Laboratorio de Genetica e Diagnostico Molecular, Hospital Israelita Albert Einstein
Classification: Uncertain significance for Spinocerebellar ataxia type 13. Last evaluated: 2025-12-31. Review status: criteria provided, single submitter. Criteria: ACMG Guidelines, 2015. Collection method: clinical testing. Allele origin: germline. Affected: yes.
Comment: ACMG classification criteria: PM2 supporting, PP3 supporting